The following is an entry in ClinVar:

NM_198282.4(STING1):c.1027G>A (p.Val343Met)

Gene: STING1 (stimulator of interferon response cGAMP interactor 1; minus strand). Cytogenetic location: 5q31.2.
Variant type: single nucleotide variant.
Coding change: c.1027G>A on transcript NM_198282.4 (MANE Select); coding-DNA position 1027, G replaced by A.
Protein change: p.Val343Met; replaces valine 343 with methionine.
Molecular consequence: missense variant. On other transcripts: synonymous variant (1).
Genome position (GRCh38, 1-based): chr5:139,476,374, C>T on the plus strand (G>A on the coding strand, the complement: STING1 is on the minus strand). VCF-style: chr5-139476374-C-T. GRCh37 (hg19) VCF-style: chr5-138855959-C-T.
Other names: c.840G>A, p.Leu280= (NM_001301738.2); c.670G>A, p.Val224Met (NM_001367258.1); short protein forms V224M, V343M.
Identifiers: ClinVar variation 2173233 (VCV002173233.4), dbSNP rs2547060999, ClinGen allele CA361479201.

ClinVar aggregate classification (germline): Uncertain significance (1 of 4 stars; one submission).

Conditions:
STING-associated vasculopathy with onset in infancy. Also called: Sting-associated vasculopathy, infantile-onset. Identifiers: Orphanet 425120, MedGen C4014722, MONDO:0014405, OMIM 615934.

Submission:

Labcorp Genetics (formerly Invitae), Labcorp
Classification: Uncertain significance for STING-associated vasculopathy with onset in infancy. Last evaluated: 2022-05-06. Review status: criteria provided, single submitter. Criteria: Invitae Variant Classification Sherloc (09022015). Collection method: clinical testing. Allele origin: germline.
Comment: In summary, the available evidence is currently insufficient to determine the role of this variant in disease. Therefore, it has been classified as a Variant of Uncertain Significance. Algorithms developed to predict the effect of missense changes on protein structure and function output the following: SIFT: "Tolerated"; PolyPhen-2: "Benign"; Align-GVGD: "Class C0". The methionine amino acid residue is found in multiple mammalian species, which suggests that this missense change does not adversely affect protein function. This variant has not been reported in the literature in individuals affected with TMEM173-related conditions. This variant is not present in population databases (gnomAD no frequency). This sequence change replaces valine, which is neutral and non-polar, with methionine, which is neutral and non-polar, at codon 343 of the TMEM173 protein (p.Val343Met).